The following is an entry in ClinVar:

NM_000298.6(PKLR):c.375+10G>C

Gene: PKLR (pyruvate kinase L/R; minus strand). Cytogenetic location: 1q22.
Variant type: single nucleotide variant.
Coding change: c.375+10G>C on transcript NM_000298.6 (MANE Select); 10 bases into the intron after coding-DNA position 375, G replaced by C.
Molecular consequence: intron variant.
Genome position (GRCh38, 1-based): chr1:155,295,655, C>G on the plus strand (G>C on the coding strand, the complement: PKLR is on the minus strand). VCF-style: chr1-155295655-C-G. GRCh37 (hg19) VCF-style: chr1-155265446-C-G.
Other names: c.282+10G>C (NM_181871.4); c.375+10G>C (NM_000298.5).
Identifiers: ClinVar variation 2413645 (VCV002413645.8), dbSNP rs8177971, ClinGen allele CA1144367.
Genomic context (GRCh38, chr1:155,295,655, plus strand): 5'-TCAGGGGAAGGTGGCCAGGACCTCGAGGCATCCTCCTGCCCCACCCACTGCCCGGCGGCC[C>G]GTCCCGCACCTCGTGGGAGCCGTGGGAGAAGTTGAGTCGCGCAATGTTCATCCCGGCCTT-3'

ClinVar aggregate classification (germline): Likely benign. Review status: criteria provided, single submitter (1 of 4 stars). 2 submissions from 2 submitters: Likely benign (1). 1 of the submissions does not count toward it. Last evaluated 2022-03-18.

Conditions:
PKLR-related disorder. Also called: PKLR-related condition.

Allele frequency attached by ClinVar (database versions not stated): 1000 Genomes Project 30x 0.00031; 1000 Genomes Project 0.00040.
gnomAD v4.1: 117 of 1,614,078 alleles (0.0072%); highest among the groups gnomAD compares: African/African-American, 0.14%; no homozygotes.

Submissions (2):

Labcorp Genetics (formerly Invitae), Labcorp
Classification: Likely benign. Last evaluated: 2022-03-18. Review status: criteria provided, single submitter. Criteria: Invitae Variant Classification Sherloc (09022015). Collection method: clinical testing. Allele origin: germline.

PreventionGenetics, part of Exact Sciences
Classification: Likely benign for PKLR-related condition. Last evaluated: 2021-01-19. Review status: no assertion criteria provided. Collection method: clinical testing. Allele origin: germline. Not counted in ClinVar's aggregate classification.
Comment: This variant is classified as likely benign based on ACMG/AMP sequence variant interpretation guidelines (Richards et al. 2015 PMID: 25741868, with internal and published modifications).